The following is an entry in ClinVar:

NM_004758.4(TSPOAP1):c.1340G>A (p.Arg447Gln)

Gene: TSPOAP1 (TSPO associated protein 1; minus strand). Cytogenetic location: 17q22.
Variant type: single nucleotide variant.
Coding change: c.1340G>A on transcript NM_004758.4 (MANE Select); coding-DNA position 1340, G replaced by A.
Protein change: p.Arg447Gln; replaces arginine 447 with glutamine.
Molecular consequence: missense variant.
Genome position (GRCh38, 1-based): chr17:58,322,390, C>T on the plus strand (G>A on the coding strand, the complement: TSPOAP1 is on the minus strand). VCF-style: chr17-58322390-C-T. GRCh37 (hg19) VCF-style: chr17-56399751-C-T.
Other names: c.1340G>A, p.Arg447Gln (NM_001261835.2); c.1160G>A, p.Arg387Gln (NM_024418.3); short protein forms R387Q, R447Q.
Identifiers: ClinVar variation 4821757 (VCV004821757.4).

ClinVar aggregate classification (germline): Uncertain significance (1 of 4 stars; one submission).

gnomAD v4.1: 91 of 1,606,368 alleles (0.0057%); highest among the groups gnomAD compares: Non-Finnish European, 0.0069%; no homozygotes.

Submission:

CeGaT Center for Human Genetics Tuebingen
Classification: Uncertain significance. Last evaluated: 2026-01-01. Review status: criteria provided, single submitter. Criteria: CeGaT Center For Human Genetics Tuebingen Variant Classification Criteria Version 2. Collection method: clinical testing. Allele origin: germline. Affected: yes. Observed: 1 variant allele.
Comment: TSPOAP1: PM2